The following is an entry in ClinVar:

NM_000478.6(ALPL):c.903del (p.Asn302fs)

Gene: ALPL (alkaline phosphatase, biomineralization associated; plus strand). Cytogenetic location: 1p36.12.
Variant type: Deletion.
Coding change: c.903del on transcript NM_000478.6 (MANE Select); coding-DNA position 903, one base deleted (G; older notation c.903delG).
Protein change: p.Asn302fs; shifts the reading frame from asparagine 302.
Molecular consequence: frameshift variant.
Genome position (GRCh38, 1-based): chr1:21,573,705, G deleted; the last of 2 consecutive G bases (chr1:21,573,704-21,573,705); deleting either gives the same sequence. VCF-style (leftmost placement, unchanged base first): chr1-21573703-AG-A. GRCh37 (hg19) VCF-style: chr1-21900196-AG-A.
Other names: c.738del, p.Asn247fs (NM_001127501.4); c.672del, p.Asn225fs (NM_001177520.3); c.903del, p.Asn302fs (NM_001369803.2, NM_001369804.2, NM_001369805.2); short protein forms N225fs, N302fs, N247fs.
Identifiers: ClinVar variation 370761 (VCV000370761.6), dbSNP rs768160006, ClinGen allele CA666672.

ClinVar aggregate classification (germline): Pathogenic. Review status: criteria provided, multiple submitters, no conflicts (2 of 4 stars). 3 submissions from 3 submitters: Pathogenic (2). 1 of the submissions does not count toward it. Last evaluated 2025-08-29.

Conditions:
Hypophosphatasia. Also called: Phosphoethanol-aminuria. Identifiers: Orphanet 436, MedGen C0020630, MeSH D007014, MONDO:0018570.
Infantile hypophosphatasia. Identifiers: Orphanet 247651, Orphanet 436, MedGen C0268412, MONDO:1010169, OMIM 241500, MONDO:0009427.

Submissions (3):

Genomenon, Inc
Classification: Pathogenic for Hypophosphatasia. Last evaluated: 2025-08-29. Review status: criteria provided, single submitter. Criteria: Genomenon Sequence Variant Interpretation Standards. Collection method: curation. Allele origin: germline. Affected: yes.
Comment: ALPL p.Asn302ThrfsTer3 (c.903del) is a frameshift variant that results in the production of a truncated protein which is predicted to undergo nonsense-mediated mRNA decay. This variant has been observed in at least one proband affected with hypophosphatasia (PMID:36361766). It is absent or not present at a significant frequency in gnomAD. In conclusion, we classify ALPL p.Asn302ThrfsTer3 (c.903del) as a pathogenic variant.

Labcorp Genetics (formerly Invitae), Labcorp
Classification: Pathogenic. Last evaluated: 2024-03-07. Review status: criteria provided, single submitter. Criteria: Invitae Variant Classification Sherloc (09022015). Collection method: clinical testing. Allele origin: germline.
Comment: This sequence change creates a premature translational stop signal (p.Asn302Thrfs*3) in the ALPL gene. It is expected to result in an absent or disrupted protein product. Loss-of-function variants in ALPL are known to be pathogenic (PMID: 3174660, 10679946, 32973344, 33814268). This variant is not present in population databases (gnomAD no frequency). This premature translational stop signal has been observed in individual(s) with hypophosphatasia (PMID: 36361766). ClinVar contains an entry for this variant (Variation ID: 370761). For these reasons, this variant has been classified as Pathogenic.

Counsyl
Classification: Likely pathogenic for Infantile hypophosphatasia. Last evaluated: 2016-04-06. Review status: no assertion criteria provided. Collection method: clinical testing. Allele origin: unknown. Not counted in ClinVar's aggregate classification.

Literature cited by the submitters: PubMed 36361766 (cited by Genomenon, Inc and Labcorp Genetics (formerly Invitae), Labcorp); PubMed 3174660 (cited by Labcorp Genetics (formerly Invitae), Labcorp); PubMed 10679946 (cited by Labcorp Genetics (formerly Invitae), Labcorp); PubMed 32973344 (cited by Labcorp Genetics (formerly Invitae), Labcorp); PubMed 33814268 (cited by Labcorp Genetics (formerly Invitae), Labcorp).